The following is an entry in ClinVar:

NM_021815.5(SLC5A7):c.742-2A>G

Gene: SLC5A7 (solute carrier family 5 member 7; plus strand). Cytogenetic location: 2q12.3.
Variant type: single nucleotide variant.
Coding change: c.742-2A>G on transcript NM_021815.5 (MANE Select); the canonical splice acceptor site of the intron before coding-DNA position 742, A replaced by G.
Molecular consequence: splice acceptor variant.
Genome position (GRCh38, 1-based): chr2:108,006,047, A>G. VCF-style: chr2-108006047-A-G. GRCh37 (hg19) VCF-style: chr2-108622503-A-G.
Other names: NM_021815.5:c.742-2A>G; c.1-2A>G (NM_001305007.3); c.742-2A>G (NM_001305005.3); c.427-2A>G (NM_001305006.3).
Identifiers: ClinVar variation 2500960 (VCV002500960.1), dbSNP rs2467117257, ClinGen allele CA348113032.
Genomic context (GRCh38, chr2:108,006,047, plus strand): 5'-AATAAAACTCTTTAAAAAAATGAATAGATGTTTGCCTCTCCATCCTTGTGTTTCCCGCAC[A>G]GATGCTGGGTGGAATCCCATGGCAAGCATACTTTCAGAGGGTTCTCTCTTCTTCCTCAGC-3'

ClinVar aggregate classification (germline): Likely pathogenic (1 of 4 stars; one submission).

Conditions:
Neuronopathy, distal hereditary motor, type 7A. Also called: NEURONOPATHY, DISTAL HEREDITARY MOTOR, HARDING TYPE VIIA; NEUROPATHY, DISTAL HEREDITARY MOTOR, HARDING TYPE VIIA; Neuronopathy, distal hereditary motor, autosomal dominant 7; Neuronopathy, distal hereditary motor, type viia; SPINAL MUSCULAR ATROPHY, DISTAL, WITH VOCAL CORD PARALYSIS; HARPER-YOUNG MYOPATHY. Identifiers: Orphanet 139589, MedGen C1834703, MONDO:0008024, OMIM 158580.

Submission:

Broad Center for Mendelian Genomics, Broad Institute of MIT and Harvard
Classification: Likely pathogenic for Neuronopathy, distal hereditary motor, type 7A. Last evaluated: 2023-05-02. Review status: criteria provided, single submitter. Criteria: ACMG Guidelines, 2015. Collection method: curation. Allele origin: germline. Inheritance: Autosomal dominant inheritance.
Comment: Trio exome analysis showed this variant to be de novo. The c.742-2A>G variant in SLC5A7 has not been previously reported in individuals with distal hereditary motor neuronopathy type VIIa. This variant is absent in population databases. This variant is located in the 3‚Äô splice region. Computational tools do suggest an impact to splicing. However, this information is not predictive enough to determine pathogenicity. Heterozygous loss of function of the SLC5A7 gene is strongly associated to distal hereditary motor neuronopathy type VIIa. In summary, although additional studies are required to fully establish its clinical significance, this variant is likely pathogenic for autosomal dominant distal hereditary motor neuronopathy type VIIa. ACMG/AMP Criteria applied: PVS1_Strong, PS2_Supporting, PM2_Supporting (Richards 2015).